The following is an entry in ClinVar:

ClinVar aggregate classification (germline): Pathogenic/Likely pathogenic. Review status: criteria provided, multiple submitters, no conflicts (2 of 4 stars). 2 submissions from 2 submitters: Pathogenic (1); Likely pathogenic (1). Last evaluated 2026-02-03.

Conditions:
CEP250-related disorder. Also called: CEP250-related condition.

Allele frequency attached by ClinVar (database versions not stated): gnomAD exomes below 0.00001; TOPMed 0.00001.

Submissions (2):

PreventionGenetics, part of Exact Sciences
Classification: Likely pathogenic for CEP250-related condition. Last evaluated: 2026-02-03. Review status: criteria provided, single submitter. Criteria: ACMG Guidelines, 2015. Collection method: clinical testing. Allele origin: germline.
Comment: The CEP250 c.263G>A variant is predicted to result in premature protein termination (p.Trp88*). To our knowledge, this variant has not been reported in the literature or in a large population database (gnomAD), indicating this variant is rare. Nonsense variants in CEP250 are expected to be pathogenic. This variant is interpreted as likely pathogenic.

Labcorp Genetics (formerly Invitae), Labcorp
Classification: Pathogenic. Last evaluated: 2025-11-03. Review status: criteria provided, single submitter. Criteria: Invitae Variant Classification Sherloc (09022015). Collection method: clinical testing. Allele origin: germline.
Comment: This sequence change creates a premature translational stop signal (p.Trp88*) in the CEP250 gene. It is expected to result in an absent or disrupted protein product. Loss-of-function variants in CEP250 are known to be pathogenic (PMID: 24780881, 29718797). This variant is not present in population databases (gnomAD no frequency). This variant has not been reported in the literature in individuals affected with CEP250-related conditions. ClinVar contains an entry for this variant (Variation ID: 1451443). Algorithms developed to predict the effect of sequence changes on RNA splicing suggest that this variant may disrupt the consensus splice site. For these reasons, this variant has been classified as Pathogenic.

Literature cited by the submitters: PubMed 24780881 (cited by Labcorp Genetics (formerly Invitae), Labcorp); PubMed 29718797 (cited by Labcorp Genetics (formerly Invitae), Labcorp).

NM_007186.6(CEP250):c.263G>A (p.Trp88Ter)

Gene: CEP250 (centrosomal protein 250; plus strand). Cytogenetic location: 20q11.22.
Variant type: single nucleotide variant.
Coding change: c.263G>A on transcript NM_007186.6 (MANE Select); coding-DNA position 263, G replaced by A.
Protein change: p.Trp88Ter; replaces tryptophan 88 with a stop codon.
Molecular consequence: nonsense. On other transcripts: 5 prime UTR variant (1).
Genome position (GRCh38, 1-based): chr20:35,465,762, G>A. VCF-style: chr20-35465762-G-A. GRCh37 (hg19) VCF-style: chr20-34053587-G-A.
Other names: c.-1637G>A (NM_001318219.1); c.263G>A (NM_007186.5); short protein forms W88*.
Identifiers: ClinVar variation 1451443 (VCV001451443.7), dbSNP rs2062862935, ClinGen allele CA408752636.
Genomic context (GRCh38, chr20:35,465,762, plus strand): 5'-TCTCTTTGGAGGTAAGTAAGGCTTGTCTCTGTCTGGCGCAGGGACCAATCCCCCAGAGGT[G>A]GGAAAATGTGGAGGAGCCAAACCTGGATGAGCTGCTGGTCCGATTGGAGGAGGAGCAACA-3'